The following is an entry in ClinVar:

ClinVar aggregate classification (germline): Benign (1 of 4 stars; one submission).

Conditions:
Seizures, benign familial neonatal, 2. Also called: CONVULSIONS, BENIGN FAMILIAL NEONATAL, 2; KCNQ3-Related Self-Limited Familial Neonatal Epilepsy (SLFNE); Benign Neonatal Epilepsy 2; KCNQ3-Related Benign Familial Neonatal Epilepsy; Seizures, benign neonatal, 2. Identifiers: Orphanet 1949, MedGen C1852581, MONDO:0007366, OMIM 121201.

Allele frequency attached by ClinVar (database versions not stated): gnomAD 0.00391 and 0.00371; TOPMed 0.00425; 1000 Genomes Project 30x 0.00656; 1000 Genomes Project 0.00519.

Submission:

Illumina Laboratory Services, Illumina
Classification: Benign for Seizures, benign familial neonatal, 2. Last evaluated: 2018-01-13. Review status: criteria provided, single submitter. Criteria: ICSL Variant Classification Criteria 13 December 2019. Collection method: clinical testing. Allele origin: germline.
Comment: This variant was observed in the ICSL laboratory as part of a predisposition screen in an ostensibly healthy population. It had not been previously curated by ICSL or reported in the Human Gene Mutation Database (HGMD: prior to June 1st, 2018), and was therefore a candidate for classification through an automated scoring system. Utilizing variant allele frequency, disease prevalence and penetrance estimates, and inheritance mode, an automated score was calculated to assess if this variant is too frequent to cause the disease. Based on the score and internal cut-off values, a variant classified as benign is not then subjected to further curation. The score for this variant resulted in a classification of benign for this disease.

NM_004519.4(KCNQ3):c.*3701G>A

Gene: KCNQ3 (potassium voltage-gated channel subfamily Q member 3; minus strand). Cytogenetic location: 8q24.22.
Variant type: single nucleotide variant.
Coding change: c.*3701G>A on transcript NM_004519.4 (MANE Select); 3701 bases downstream of the stop codon, G replaced by A.
Molecular consequence: 3 prime UTR variant.
Genome position (GRCh38, 1-based): chr8:132,125,561, C>T on the plus strand (G>A on the coding strand, the complement: KCNQ3 is on the minus strand). VCF-style: chr8-132125561-C-T. GRCh37 (hg19) VCF-style: chr8-133137808-C-T.
Other names: c.*3701G>A (NM_001204824.2).
Identifiers: ClinVar variation 361820 (VCV000361820.6), dbSNP rs576940686, ClinGen allele CA10624754.